The following is an entry in ClinVar:

ClinVar aggregate classification (germline): Uncertain significance (1 of 4 stars; one submission).

Conditions:
Carney complex, type 1 (CNC1). Also called: CARNEY MYXOMA-ENDOCRINE COMPLEX; CARNEY COMPLEX, TYPE I. Identifiers: Orphanet 1359, MedGen C2607929, MONDO:0008057, OMIM 160980.

Submission:

Labcorp Genetics (formerly Invitae), Labcorp
Classification: Uncertain significance for Carney complex, type 1. Last evaluated: 2023-12-19. Review status: criteria provided, single submitter. Criteria: Invitae Variant Classification Sherloc (09022015). Collection method: clinical testing. Allele origin: germline.
Comment: This sequence change replaces threonine, which is neutral and polar, with isoleucine, which is neutral and non-polar, at codon 239 of the PRKAR1A protein (p.Thr239Ile). This variant is not present in population databases (gnomAD no frequency). This variant has not been reported in the literature in individuals affected with PRKAR1A-related conditions. Advanced modeling of protein sequence and biophysical properties (such as structural, functional, and spatial information, amino acid conservation, physicochemical variation, residue mobility, and thermodynamic stability) performed at Invitae indicates that this missense variant is not expected to disrupt PRKAR1A protein function with a negative predictive value of 80%. This variant disrupts the p.Thr239 amino acid residue in PRKAR1A. Other variant(s) that disrupt this residue have been determined to be pathogenic (PMID: 22723333). This suggests that this residue is clinically significant, and that variants that disrupt this residue are likely to be disease-causing. In summary, the available evidence is currently insufficient to determine the role of this variant in disease. Therefore, it has been classified as a Variant of Uncertain Significance.

Literature cited by the submitters: PubMed 22723333.

NM_002734.5(PRKAR1A):c.716C>T (p.Thr239Ile)

Gene: PRKAR1A (protein kinase cAMP-dependent type I regulatory subunit alpha; plus strand). Cytogenetic location: 17q24.2.
Variant type: single nucleotide variant.
Coding change: c.716C>T on transcript NM_002734.5 (MANE Select); coding-DNA position 716, C replaced by T.
Protein change: p.Thr239Ile; replaces threonine 239 with isoleucine.
Molecular consequence: missense variant.
Genome position (GRCh38, 1-based): chr17:68,527,847, C>T. VCF-style: chr17-68527847-C-T. GRCh37 (hg19) VCF-style: chr17-66523988-C-T.
Other names: c.716C>T, p.Thr239Ile (NM_001276289.2, NM_001276290.1, NM_001278433.2 and 4 more transcripts); short protein forms T239I.
Identifiers: ClinVar variation 2795490 (VCV002795490.3), dbSNP rs2509430760, ClinGen allele CA400753434.